The following is an entry in ClinVar:

NM_006087.4(TUBB4A):c.*53G>A

Gene: TUBB4A (tubulin beta 4A class IVa; minus strand). Cytogenetic location: 19p13.3.
Variant type: single nucleotide variant.
Coding change: c.*53G>A on transcript NM_006087.4 (MANE Select); 53 bases downstream of the stop codon, G replaced by A.
Molecular consequence: 3 prime UTR variant.
Genome position (GRCh38, 1-based): chr19:6,495,111, C>T on the plus strand (G>A on the coding strand, the complement: TUBB4A is on the minus strand). VCF-style: chr19-6495111-C-T. GRCh37 (hg19) VCF-style: chr19-6495122-C-T.
Other names: c.*53G>A (NM_001289123.2, NM_001289127.2, NM_001289129.2 and 2 more transcripts).
Identifiers: ClinVar variation 330259 (VCV000330259.5), dbSNP rs113953942, ClinGen allele CA10643301.

ClinVar aggregate classification (germline): Likely benign. Review status: criteria provided, single submitter (1 of 4 stars). 2 submissions from 1 submitter: Likely benign (2). Last evaluated 2017-04-27.

Conditions:
Leukodystrophy, hypomyelinating, 6. Also called: LEUKODYSTROPHY, HYPOMYELINATING, WITH ATROPHY OF THE BASAL GANGLIA AND CEREBELLUM; TUBB4A-Associated Leukodystrophy; Hypomyelination with Atrophy of Basal Ganglia and Cerebellum (H-ABC). Identifiers: Orphanet 139441, MedGen C2676244, MONDO:0012905, OMIM 612438.
Torsion dystonia 4. Also called: DYT-TUBB4A (Autosomal Dominant Torsion Dystonia); DYSTONIA MUSCULORUM DEFORMANS 4. Identifiers: Orphanet 98805, MedGen C1851943, MONDO:0007493, OMIM 128101.

Allele frequency attached by ClinVar (database versions not stated): 1000 Genomes Project 0.01078; 1000 Genomes Project 30x 0.01124; gnomAD 0.01338; TOPMed 0.01535.
gnomAD v4.1: 3,877 of 1,594,184 alleles (0.24%); highest among the groups gnomAD compares: African/African-American, 4.7%; 81 homozygotes.

Submissions (2):

Illumina Laboratory Services, Illumina
Classification: Likely benign for Leukodystrophy, hypomyelinating, 6. Last evaluated: 2017-04-27. Review status: criteria provided, single submitter. Criteria: ICSL Variant Classification Criteria 13 December 2019. Collection method: clinical testing. Allele origin: germline.
Comment: This variant was observed as part of a predisposition screen in an ostensibly healthy population. A literature search was performed for the gene, cDNA change, and amino acid change (where applicable). No publications were found based on this search. Allele frequency data from public databases allowed determination this variant is unlikely to cause disease. Therefore, this variant is classified as likely benign.

Illumina Laboratory Services, Illumina
Classification: Likely benign for Torsion dystonia 4. Last evaluated: 2017-04-27. Review status: criteria provided, single submitter. Criteria: ICSL Variant Classification Criteria 13 December 2019. Collection method: clinical testing. Allele origin: germline.
Comment: the same text as in the submission from Illumina Laboratory Services, Illumina above.